The following is an entry in ClinVar:

NM_001148.6(ANK2):c.10366G>C (p.Gly3456Arg)

Gene: ANK2 (ankyrin 2; plus strand). Cytogenetic location: 4q26.
Variant type: single nucleotide variant.
Coding change: c.10366G>C on transcript NM_001148.6 (MANE Select); coding-DNA position 10366, G replaced by C.
Protein change: p.Gly3456Arg; replaces glycine 3456 with arginine.
Molecular consequence: missense variant. On other transcripts: intron variant (68).
Genome position (GRCh38, 1-based): chr4:113,358,984, G>C. VCF-style: chr4-113358984-G-C. GRCh37 (hg19) VCF-style: chr4-114280140-G-C.
Other names: c.10132G>C, p.Gly3378Arg (NM_001386142.1); c.6766G>C, p.Gly2256Arg (NM_001386166.1); c.10507G>C, p.Gly3503Arg (NM_001386174.1); c.4400-1839G>C (NM_001127493.3); c.4364-1839G>C (NM_001386143.1, NM_001354243.2, NM_001354255.2); c.4265-1839G>C (NM_001354262.2, NM_001354275.2, NM_001354245.2); c.4202-1839G>C (NM_001354253.2, NM_001354270.2); c.4166-1839G>C (NM_001354257.2, NM_001386156.1); and 35 more; short protein forms G3456R, G3495R, G3378R, G2256R, G3503R.
Identifiers: ClinVar variation 1498462 (VCV001498462.6), dbSNP rs1477856046, ClinGen allele CA357940250.

ClinVar aggregate classification (germline): Uncertain significance (1 of 4 stars; one submission).

Conditions:
Long QT syndrome (LQTS). Identifiers: MedGen C0023976, MeSH D008133, MONDO:0002442. Disease mechanism: loss of function. Inheritance: Various modes of inheritance.

Submission:

Labcorp Genetics (formerly Invitae), Labcorp
Classification: Uncertain significance for Long QT syndrome. Last evaluated: 2021-08-20. Review status: criteria provided, single submitter. Criteria: Invitae Variant Classification Sherloc (09022015). Collection method: clinical testing. Allele origin: germline.
Comment: In summary, the available evidence is currently insufficient to determine the role of this variant in disease. Therefore, it has been classified as a Variant of Uncertain Significance. Algorithms developed to predict the effect of missense changes on protein structure and function (SIFT, PolyPhen-2, Align-GVGD) all suggest that this variant is likely to be tolerated. This variant has not been reported in the literature in individuals affected with ANK2-related conditions. This variant is not present in population databases (ExAC no frequency). This sequence change replaces glycine with arginine at codon 3456 of the ANK2 protein (p.Gly3456Arg). The glycine residue is weakly conserved and there is a moderate physicochemical difference between glycine and arginine.